The following is an entry in ClinVar:

NM_000522.5(HOXA13):c.46G>A (p.Val16Ile)

Genes: HOXA13 (homeobox A13; minus strand), LOC107126288 (NUP98-HOXA13 recombination region; plus strand). Cytogenetic location: 7p15.2.
Variant type: single nucleotide variant.
Coding change: c.46G>A on transcript NM_000522.5 (MANE Select); coding-DNA position 46, G replaced by A.
Protein change: p.Val16Ile; replaces valine 16 with isoleucine.
Molecular consequence: missense variant.
Genome position (GRCh38, 1-based): chr7:27,200,032, C>T on the plus strand (G>A on the coding strand, the complement: HOXA13 is on the minus strand). VCF-style: chr7-27200032-C-T. GRCh37 (hg19) VCF-style: chr7-27239651-C-T.
Other names: c.46G>A (NM_000522.4); short protein forms V16I.
Identifiers: ClinVar variation 1361685 (VCV001361685.30), dbSNP rs200676634, ClinGen allele CA4198715.

ClinVar aggregate classification (germline): Conflicting classifications of pathogenicity. Review status: criteria provided, conflicting classifications (1 of 4 stars). 5 submissions from 5 submitters: Uncertain significance (3); Likely benign (1). 1 of the submissions does not count toward it. Last evaluated 2025-10-08.

Conditions:
Inborn genetic diseases. Identifiers: MedGen C0950123, MeSH D030342.
Guttmacher syndrome. Identifiers: Orphanet 2957, MedGen C1867801, MONDO:0008301, OMIM 176305.
Hand-foot-genital syndrome (HFG). Also called: Hand-Foot-Uterus Syndrome; HFU syndrome; HFG syndrome. Identifiers: Orphanet 2438, MedGen C1841679, MONDO:0007698, OMIM 140000.
HOXA13-related disorder. Also called: HOXA13-related condition.

Allele frequency attached by ClinVar (database versions not stated): gnomAD exomes 0.00002 and 0.00003; ExAC 0.00004; TOPMed 0.00006; gnomAD 0.00010.

Submissions (5):

Labcorp Genetics (formerly Invitae), Labcorp
Classification: Uncertain significance. Last evaluated: 2025-10-08. Review status: criteria provided, single submitter. Criteria: Invitae Variant Classification Sherloc (09022015). Collection method: clinical testing. Allele origin: germline.
Comment: This sequence change replaces valine, which is neutral and non-polar, with isoleucine, which is neutral and non-polar, at codon 16 of the HOXA13 protein (p.Val16Ile). The frequency data for this variant in the population databases is considered unreliable, as metrics indicate poor data quality at this position in the gnomAD database. This variant has not been reported in the literature in individuals affected with HOXA13-related conditions. ClinVar contains an entry for this variant (Variation ID: 1361685). Invitae Evidence Modeling of protein sequence and biophysical properties (such as structural, functional, and spatial information, amino acid conservation, physicochemical variation, residue mobility, and thermodynamic stability) indicates that this missense variant is not expected to disrupt HOXA13 protein function with a negative predictive value of 80%. In summary, the available evidence is currently insufficient to determine the role of this variant in disease. Therefore, it has been classified as a Variant of Uncertain Significance.

Ambry Genetics
Classification: Uncertain significance for Inborn genetic diseases. Last evaluated: 2025-09-26. Review status: criteria provided, single submitter. Criteria: Ambry Variant Classification Scheme 2023. Collection method: clinical testing. Allele origin: germline.

Fulgent Genetics
Classification: Likely benign for Hand-foot-genital syndrome; Guttmacher syndrome. Last evaluated: 2024-04-13. Review status: criteria provided, single submitter. Criteria: ACMG Guidelines, 2015. Collection method: clinical testing. Allele origin: germline.

CeGaT Center for Human Genetics Tuebingen
Classification: Uncertain significance. Last evaluated: 2023-11-01. Review status: criteria provided, single submitter. Criteria: CeGaT Center For Human Genetics Tuebingen Variant Classification Criteria Version 2. Collection method: clinical testing. Allele origin: germline. Affected: yes. Observed: 1 variant allele.
Comment: HOXA13: PP3

PreventionGenetics, part of Exact Sciences
Classification: Uncertain significance for HOXA13-related condition. Last evaluated: 2024-05-29. Review status: no assertion criteria provided. Collection method: clinical testing. Allele origin: germline. Not counted in ClinVar's aggregate classification.
Comment: The HOXA13 c.46G>A variant is predicted to result in the amino acid substitution p.Val16Ile. To our knowledge, this variant has not been reported in the literature. This variant is reported in 0.0077% of alleles in individuals of European (non-Finnish) descent in gnomAD. At this time, the clinical significance of this variant is uncertain due to the absence of conclusive functional and genetic evidence.